The following is an entry in ClinVar:

ClinVar aggregate classification (germline): Uncertain significance (1 of 4 stars; one submission).

Conditions:
Myofibrillar myopathy 6. Identifiers: Orphanet 199340, MedGen C2751831, MONDO:0013061, OMIM 612954.
Dilated cardiomyopathy 1HH (CMD1HH). Identifiers: Orphanet 154, MedGen C3151293, MONDO:0013479, OMIM 613881.

Submission:

Labcorp Genetics (formerly Invitae), Labcorp
Classification: Uncertain significance for Dilated cardiomyopathy 1HH; Myofibrillar myopathy 6. Last evaluated: 2023-07-14. Review status: criteria provided, single submitter. Criteria: Invitae Variant Classification Sherloc (09022015). Collection method: clinical testing. Allele origin: germline.
Comment: In summary, the available evidence is currently insufficient to determine the role of this variant in disease. Therefore, it has been classified as a Variant of Uncertain Significance. Advanced modeling of protein sequence and biophysical properties (such as structural, functional, and spatial information, amino acid conservation, physicochemical variation, residue mobility, and thermodynamic stability) has been performed at Invitae for this missense variant, however the output from this modeling did not meet the statistical confidence thresholds required to predict the impact of this variant on BAG3 protein function. This variant has not been reported in the literature in individuals affected with BAG3-related conditions. This variant is not present in population databases (gnomAD no frequency). This sequence change replaces glutamic acid, which is acidic and polar, with glycine, which is neutral and non-polar, at codon 81 of the BAG3 protein (p.Glu81Gly).

NM_004281.4(BAG3):c.242A>G (p.Glu81Gly)

Gene: BAG3 (BAG cochaperone 3; plus strand). Cytogenetic location: 10q26.11.
Variant type: single nucleotide variant.
Coding change: c.242A>G on transcript NM_004281.4 (MANE Select); coding-DNA position 242, A replaced by G.
Protein change: p.Glu81Gly; replaces glutamic acid 81 with glycine.
Molecular consequence: missense variant.
Genome position (GRCh38, 1-based): chr10:119,669,912, A>G. VCF-style: chr10-119669912-A-G. GRCh37 (hg19) VCF-style: chr10-121429424-A-G.
Other names: short protein forms E81G.
Identifiers: ClinVar variation 2928869 (VCV002928869.3), dbSNP rs1847120727, ClinGen allele CA378294709.